The following is an entry in ClinVar:

NM_024426.6(WT1):c.1172G>A (p.Ser391Asn)

Gene: WT1 (WT1 transcription factor; minus strand). Cytogenetic location: 11p13.
Variant type: single nucleotide variant.
Coding change: c.1172G>A on transcript NM_024426.6 (MANE Select); coding-DNA position 1172, G replaced by A.
Protein change: p.Ser391Asn; replaces serine 391 with asparagine.
Molecular consequence: missense variant. On other transcripts: non-coding transcript variant (2), 5 prime UTR variant (1).
Genome position (GRCh38, 1-based): chr11:32,396,349, C>T on the plus strand (G>A on the coding strand, the complement: WT1 is on the minus strand). VCF-style: chr11-32396349-C-T. GRCh37 (hg19) VCF-style: chr11-32417895-C-T.
Other names: c.1172G>A, p.Ser391Asn (NM_024424.5, NM_001407046.1); c.1121G>A, p.Ser374Asn (NM_000378.6, NM_001407045.1, NM_001407048.1 and 1 more transcripts); c.521G>A, p.Ser174Asn (NM_001198551.2); c.470G>A, p.Ser157Asn (NM_001198552.2); c.-17G>A (NM_001367854.1); c.1166G>A, p.Ser389Asn (NM_001407044.1); c.1049G>A, p.Ser350Asn (NM_001407047.1); c.998G>A, p.Ser333Asn (NM_001407050.1); and 3 more; short protein forms S137N, S157N, S174N, S301N, S318N, S333N, S350N, S374N.
Identifiers: ClinVar variation 4866785 (VCV004866785.1).

ClinVar aggregate classification (germline): Uncertain significance (1 of 4 stars; one submission).

Conditions:
Inborn genetic diseases. Identifiers: MedGen C0950123, MeSH D030342.

gnomAD v4.1: 2 of 1,614,184 alleles (0.00012%); highest among the groups gnomAD compares: Non-Finnish European, 0.000085%; no homozygotes.

Submission:

Ambry Genetics
Classification: Uncertain significance for Inborn genetic diseases. Last evaluated: 2026-03-26. Review status: criteria provided, single submitter. Criteria: Ambry Variant Classification Scheme 2023. Collection method: clinical testing. Allele origin: germline.
Comment: The p.S386N variant (also known as c.1157G>A), located in coding exon 7 of the WT1 gene, results from a G to A substitution at nucleotide position 1157. The serine at codon 386 is replaced by asparagine, an amino acid with highly similar properties. This amino acid position is conserved. In addition, this alteration is predicted to be tolerated by in silico analysis. Based on the available evidence, the clinical significance of this variant remains unclear.